The following is an entry in ClinVar:

NM_182931.3(KMT2E):c.1664T>C (p.Ile555Thr)

Gene: KMT2E (lysine methyltransferase 2E (inactive); plus strand). Cytogenetic location: 7q22.3.
Variant type: single nucleotide variant.
Coding change: c.1664T>C on transcript NM_182931.3 (MANE Select); coding-DNA position 1664, T replaced by C.
Protein change: p.Ile555Thr; replaces isoleucine 555 with threonine.
Molecular consequence: missense variant.
Genome position (GRCh38, 1-based): chr7:105,091,256, T>C. VCF-style: chr7-105091256-T-C. GRCh37 (hg19) VCF-style: chr7-104731703-T-C.
Other names: c.1664T>C, p.Ile555Thr (NM_001410908.1, NM_018682.4); short protein forms I555T.
Identifiers: ClinVar variation 2013715 (VCV002013715.4), dbSNP rs2536465296, ClinGen allele CA368782939.

ClinVar aggregate classification (germline): Uncertain significance (1 of 4 stars; one submission).

Submission:

Labcorp Genetics (formerly Invitae), Labcorp
Classification: Uncertain significance. Last evaluated: 2024-10-15. Review status: criteria provided, single submitter. Criteria: Invitae Variant Classification Sherloc (09022015). Collection method: clinical testing. Allele origin: germline.
Comment: This sequence change replaces isoleucine, which is neutral and non-polar, with threonine, which is neutral and polar, at codon 555 of the KMT2E protein (p.Ile555Thr). This variant is not present in population databases (gnomAD no frequency). This variant has not been reported in the literature in individuals affected with KMT2E-related conditions. ClinVar contains an entry for this variant (Variation ID: 2013715). Invitae Evidence Modeling of protein sequence and biophysical properties (such as structural, functional, and spatial information, amino acid conservation, physicochemical variation, residue mobility, and thermodynamic stability) indicates that this missense variant is not expected to disrupt KMT2E protein function with a negative predictive value of 80%. In summary, the available evidence is currently insufficient to determine the role of this variant in disease. Therefore, it has been classified as a Variant of Uncertain Significance.